The following is an entry in ClinVar:

ClinVar aggregate classification (germline): Uncertain significance (1 of 4 stars; one submission).

Conditions:
Hereditary pancreatitis (PCTT). Also called: Hereditary chronic pancreatitis; PRSS1-Related Hereditary Pancreatitis. Identifiers: Orphanet 676, MedGen C0238339, MONDO:0008185, OMIM 167800.

Submission:

Ambry Genetics
Classification: Uncertain significance for Hereditary pancreatitis. Last evaluated: 2023-12-14. Review status: criteria provided, single submitter. Criteria: Ambry Variant Classification Scheme 2023. Collection method: clinical testing. Allele origin: germline.
Comment: The p.N416T variant (also known as c.1247A>C), located in coding exon 10 of the CPA1 gene, results from an A to C substitution at nucleotide position 1247. The asparagine at codon 416 is replaced by threonine, an amino acid with similar properties. This amino acid position is conserved. In addition, this alteration is predicted to be tolerated by in silico analysis. Since supporting evidence is limited at this time, the clinical significance of this alteration remains unclear.

NM_001868.4(CPA1):c.1247A>C (p.Asn416Thr)

Gene: CPA1 (carboxypeptidase A1; plus strand). Cytogenetic location: 7q32.2.
Variant type: single nucleotide variant.
Coding change: c.1247A>C on transcript NM_001868.4 (MANE Select); coding-DNA position 1247, A replaced by C.
Protein change: p.Asn416Thr; replaces asparagine 416 with threonine.
Molecular consequence: missense variant.
Genome position (GRCh38, 1-based): chr7:130,387,998, A>C. VCF-style: chr7-130387998-A-C. GRCh37 (hg19) VCF-style: chr7-130027839-A-C.
Other names: short protein forms N416T.
Identifiers: ClinVar variation 3221810 (VCV003221810.1), dbSNP rs2536015627, ClinGen allele CA369284651.
Genomic context (GRCh38, chr7:130,387,998, plus strand): 5'-TCATCCCCACAGCCAAGGAGACGTGGCTGGCGCTTCTGACCATCATGGAGCACACCCTGA[A>C]TCACCCCTACTGAGCTGACCCTTTGACACCCTTCTTGTCCTCCTCTCTGGCCCCATCCAG-3'
Protein context (NP_001859.1, residues 406-419): ALLTIMEHTL[Asn416Thr]HPY